The following is an entry in ClinVar:

ClinVar aggregate classification (germline): Uncertain significance (1 of 4 stars; one submission).

Conditions:
SLC27A5-related disorder. Also called: SLC27A5-related condition.

Submission:

PreventionGenetics, part of Exact Sciences
Classification: Uncertain significance for SLC27A5-related condition. Last evaluated: 2025-11-19. Review status: criteria provided, single submitter. Criteria: ACMG Guidelines, 2015. Collection method: clinical testing. Allele origin: germline.
Comment: The SLC27A5 c.887C>T variant is predicted to result in the amino acid substitution p.Ser296Leu. To our knowledge, this variant has not been reported in the literature. This variant is reported in 0.012% of alleles in individuals of Latino descent in gnomAD. At this time, the clinical significance of this variant is uncertain due to the absence of conclusive functional and genetic evidence.

NM_012254.3(SLC27A5):c.887C>T (p.Ser296Leu)

Gene: SLC27A5 (solute carrier family 27 member 5; minus strand). Cytogenetic location: 19q13.43.
Variant type: single nucleotide variant.
Coding change: c.887C>T on transcript NM_012254.3 (MANE Select); coding-DNA position 887, C replaced by T.
Protein change: p.Ser296Leu; replaces serine 296 with leucine.
Molecular consequence: missense variant.
Genome position (GRCh38, 1-based): chr19:58,510,732, G>A on the plus strand (C>T on the coding strand, the complement: SLC27A5 is on the minus strand). VCF-style: chr19-58510732-G-A. GRCh37 (hg19) VCF-style: chr19-59022099-G-A.
Other names: c.635C>T, p.Ser212Leu (NM_001321196.2); short protein forms S296L, S212L.
Identifiers: ClinVar variation 4978079 (VCV004978079.1).
Genomic context (GRCh38, chr19:58,510,732, plus strand): 5'-TCAGCCTGAGAGTTCAGAGGCTGGTGCTAGGGCTAATGGGCACCCTCACCAGTGGTCCCC[G>A]AGGTATAGATGAAGAGGGCAGGGCTTCTCCATGTGATCCCAGCACGCAGGTCAGCAGGCA-3'
Protein context (NP_036386.1, residues 286-306): WRSPALFIYT[Ser296Leu]GTTGLPKPAI